The following is an entry in ClinVar:

NM_004369.4(COL6A3):c.2507G>T (p.Arg836Leu)

Gene: COL6A3 (collagen type VI alpha 3 chain; minus strand). Cytogenetic location: 2q37.3.
Variant type: single nucleotide variant.
Coding change: c.2507G>T on transcript NM_004369.4 (MANE Select); coding-DNA position 2507, G replaced by T.
Protein change: p.Arg836Leu; replaces arginine 836 with leucine.
Molecular consequence: missense variant.
Genome position (GRCh38, 1-based): chr2:237,377,335, C>A on the plus strand (G>T on the coding strand, the complement: COL6A3 is on the minus strand). VCF-style: chr2-237377335-C-A. GRCh37 (hg19) VCF-style: chr2-238285978-C-A.
Other names: c.1286G>T, p.Arg429Leu (NM_057164.5); c.1889G>T, p.Arg630Leu (NM_057165.5, NM_057167.4); c.686G>T, p.Arg229Leu (NM_057166.5); short protein forms R836L, R229L, R429L, R630L.
Identifiers: ClinVar variation 290458 (VCV000290458.7), dbSNP rs763810209, ClinGen allele CA2189380.

ClinVar aggregate classification (germline): Uncertain significance. Review status: criteria provided, multiple submitters, no conflicts (2 of 4 stars). 3 submissions from 3 submitters: Uncertain significance (3). Last evaluated 2025-06-15.

Conditions:
Bethlem myopathy 1A. Also called: Bethlem Muscular Dystrophy; MYOPATHY, BENIGN CONGENITAL, WITH CONTRACTURES; Bethlem myopathy 1. Identifiers: Orphanet 610, MedGen CN029274, MONDO:0024530, OMIM 158810.

Allele frequency attached by ClinVar (database versions not stated): TOPMed below 0.00001.
gnomAD v4.1: 5 of 1,600,028 alleles (0.00031%); highest among the groups gnomAD compares: Non-Finnish European, 0.00042%; no homozygotes.

Submissions (3):

Labcorp Genetics (formerly Invitae), Labcorp
Classification: Uncertain significance for Bethlem myopathy 1A. Last evaluated: 2025-06-15. Review status: criteria provided, single submitter. Criteria: Invitae Variant Classification Sherloc (09022015). Collection method: clinical testing. Allele origin: germline.
Comment: This sequence change replaces arginine, which is basic and polar, with leucine, which is neutral and non-polar, at codon 836 of the COL6A3 protein (p.Arg836Leu). This variant is present in population databases (rs763810209, gnomAD 0.003%). This missense change has been observed in individual(s) with clinical features of Limb-girdle muscular dystrophies (PMID: 30564623). ClinVar contains an entry for this variant (Variation ID: 290458). Invitae Evidence Modeling of protein sequence and biophysical properties (such as structural, functional, and spatial information, amino acid conservation, physicochemical variation, residue mobility, and thermodynamic stability) indicates that this missense variant is not expected to disrupt COL6A3 protein function with a negative predictive value of 80%. In summary, the available evidence is currently insufficient to determine the role of this variant in disease. Therefore, it has been classified as a Variant of Uncertain Significance.

Women's Health and Genetics/Laboratory Corporation of America, LabCorp
Classification: Uncertain significance. Last evaluated: 2023-11-10. Review status: criteria provided, single submitter. Criteria: LabCorp Variant Classification Summary - May 2015. Collection method: clinical testing. Allele origin: germline.
Comment: Variant summary: COL6A3 c.2507G>T (p.Arg836Leu) results in a non-conservative amino acid change located in the von Willebrand factor, type A (IPR002035) of the encoded protein sequence. Four of five in-silico tools predict a damaging effect of the variant on protein function. The variant allele was found at a frequency of 1.3e-05 in 239260 control chromosomes. The available data on variant occurrences in the general population are insufficient to allow any conclusion about variant significance. c.2507G>T has been reported in the literature in individuals affected with Limb Girdle Muscular Dystrophy. This report does not provide unequivocal conclusions about association of the variant with Ullrich Congenital Muscular Dystrophy 1. To our knowledge, no experimental evidence demonstrating an impact on protein function has been reported. The following publication have been ascertained in the context of this evaluation (PMID: 30564623). One submitter has cited clinical-significance assessments for this variant to ClinVar after 2014 and has classified the variant as uncertain significance. Based on the evidence outlined above, the variant was classified as uncertain significance.

Eurofins Ntd Llc (ga)
Classification: Uncertain significance. Last evaluated: 2016-09-19. Review status: criteria provided, single submitter. Criteria: EGL Classification Definitions 2015. Collection method: clinical testing. Allele origin: germline. Observed: 1 variant allele, 1 heterozygote.

Literature cited by the submitters: PubMed 30564623 (cited by Labcorp Genetics (formerly Invitae), Labcorp and Women's Health and Genetics/Laboratory Corporation of America, LabCorp).